The following is an entry in ClinVar:

ClinVar aggregate classification (germline): Likely benign. Review status: criteria provided, multiple submitters, no conflicts (2 of 4 stars). 2 submissions from 2 submitters: Likely benign (2). Last evaluated 2025-12-16.

Conditions:
DNMT1-related disorder. Also called: DNMT1-related condition. Identifiers: MedGen CN381527.
Hereditary sensory neuropathy-deafness-dementia syndrome. Also called: Hereditary Sensory and Autonomic Neuropathy Type 1E (HSAN1E); HSN IE; Hereditary sensory neuropathy type IE; NEUROPATHY, HEREDITARY SENSORY, WITH HEARING LOSS AND DEMENTIA. Identifiers: Orphanet 456318, MedGen C3279885, MONDO:0013584, OMIM 614116.

Allele frequency attached by ClinVar (database versions not stated): gnomAD 0.00001; ExAC 0.00002; gnomAD exomes 0.00002 and 0.00006; TOPMed 0.00002; ESP Exome Variant Server 0.00015.
gnomAD v4.1: 85 of 1,613,924 alleles (0.0053%); highest among the groups gnomAD compares: Non-Finnish European, 0.0069%; no homozygotes.

Submissions (2):

PreventionGenetics, part of Exact Sciences
Classification: Likely benign for DNMT1-related condition. Last evaluated: 2025-12-16. Review status: criteria provided, single submitter. Criteria: ACMG Guidelines, 2015. Collection method: clinical testing. Allele origin: germline.
Comment: This variant is classified as likely benign based on ACMG/AMP sequence variant interpretation guidelines (Richards et al. 2015 PMID: 25741868, with internal and published modifications).

Labcorp Genetics (formerly Invitae), Labcorp
Classification: Likely benign for Hereditary sensory neuropathy-deafness-dementia syndrome. Last evaluated: 2025-11-03. Review status: criteria provided, single submitter. Criteria: Invitae Variant Classification Sherloc (09022015). Collection method: clinical testing. Allele origin: germline.

NM_001130823.3(DNMT1):c.3210G>A (p.Lys1070=)

Gene: DNMT1 (DNA methyltransferase 1; minus strand). Cytogenetic location: 19p13.2.
Variant type: single nucleotide variant.
Coding change: c.3210G>A on transcript NM_001130823.3 (MANE Select); coding-DNA position 3210, G replaced by A.
Protein change: p.Lys1070=; no amino-acid change (lysine 1070 retained).
Molecular consequence: synonymous variant.
Genome position (GRCh38, 1-based): chr19:10,142,127, C>T on the plus strand (G>A on the coding strand, the complement: DNMT1 is on the minus strand). VCF-style: chr19-10142127-C-T. GRCh37 (hg19) VCF-style: chr19-10252803-C-T.
Other names: c.3210G>A (NM_001130823.2); c.3162G>A, p.Lys1054= (NM_001318730.2, NM_001379.4); c.2847G>A, p.Lys949= (NM_001318731.2).
Identifiers: ClinVar variation 847823 (VCV000847823.10), dbSNP rs144874878, ClinGen allele CA9187816.